The following is an entry in ClinVar:

NM_030957.4(ADAMTS10):c.101C>G (p.Ser34Cys)

Gene: ADAMTS10 (ADAM metallopeptidase with thrombospondin type 1 motif 10; minus strand). Cytogenetic location: 19p13.2.
Variant type: single nucleotide variant.
Coding change: c.101C>G on transcript NM_030957.4 (MANE Select); coding-DNA position 101, C replaced by G.
Protein change: p.Ser34Cys; replaces serine 34 with cysteine.
Molecular consequence: missense variant.
Genome position (GRCh38, 1-based): chr19:8,605,346, G>C on the plus strand (C>G on the coding strand, the complement: ADAMTS10 is on the minus strand). VCF-style: chr19-8605346-G-C. GRCh37 (hg19) VCF-style: chr19-8670231-G-C.
Other names: p.Ser34Cys; c.101C>G (NM_030957.3, NM_030957.2); short protein forms S34C.
Identifiers: ClinVar variation 1366945 (VCV001366945.9), dbSNP rs1012357291, ClinGen allele CA305002652.

ClinVar aggregate classification (germline): Uncertain significance. Review status: criteria provided, multiple submitters, no conflicts (2 of 4 stars). 5 submissions from 5 submitters: Uncertain significance (5). Last evaluated 2025-09-19.

Conditions:
Inborn genetic diseases. Identifiers: MedGen C0950123, MeSH D030342.

Allele frequency attached by ClinVar (database versions not stated): gnomAD 0.00001; TOPMed 0.00002.
gnomAD v4.1: 13 of 1,601,890 alleles (0.00081%); highest among the groups gnomAD compares: African/African-American, 0.0013%; 1 homozygote.

Submissions (5):

Mayo Clinic Laboratories, Mayo Clinic
Classification: Uncertain significance. Last evaluated: 2025-09-19. Review status: criteria provided, single submitter. Criteria: ACMG Guidelines, 2015. Collection method: clinical testing. Allele origin: germline. Observed: 1 variant allele.
Comment: PM2_supporting

Blueprint Genetics
Classification: Uncertain significance. Last evaluated: 2024-11-25. Review status: criteria provided, single submitter. Criteria: ACMG Guidelines, 2015. Collection method: clinical testing. Allele origin: germline.

Labcorp Genetics (formerly Invitae), Labcorp
Classification: Uncertain significance. Last evaluated: 2024-10-08. Review status: criteria provided, single submitter. Criteria: Invitae Variant Classification Sherloc (09022015). Collection method: clinical testing. Allele origin: germline.
Comment: This sequence change replaces serine, which is neutral and polar, with cysteine, which is neutral and slightly polar, at codon 34 of the ADAMTS10 protein (p.Ser34Cys). This variant is not present in population databases (gnomAD no frequency). This variant has not been reported in the literature in individuals affected with ADAMTS10-related conditions. ClinVar contains an entry for this variant (Variation ID: 1366945). An algorithm developed to predict the effect of missense changes on protein structure and function (PolyPhen-2) suggests that this variant¬†is likely to be tolerated. In summary, the available evidence is currently insufficient to determine the role of this variant in disease. Therefore, it has been classified as a Variant of Uncertain Significance.

Ambry Genetics
Classification: Uncertain significance for Inborn genetic diseases. Last evaluated: 2024-06-26. Review status: criteria provided, single submitter. Criteria: Ambry Variant Classification Scheme 2023. Collection method: clinical testing. Allele origin: germline.

GeneDx
Classification: Uncertain significance. Last evaluated: 2024-06-21. Review status: criteria provided, single submitter. Criteria: GeneDx Variant Classification Process June 2021. Collection method: clinical testing. Allele origin: germline. Affected: yes.
Comment: Not observed at significant frequency in large population cohorts (gnomAD); In silico analysis supports that this missense variant has a deleterious effect on protein structure/function; Has not been previously published as pathogenic or benign to our knowledge